The following is an entry in ClinVar:

NM_017841.4(SDHAF2):c.42_45del (p.Ala15fs)

Gene: SDHAF2 (succinate dehydrogenase complex assembly factor 2; plus strand). Cytogenetic location: 11q12.2.
Variant type: Microsatellite.
Coding change: c.42_45del on transcript NM_017841.4 (MANE Select); coding-DNA positions 42 to 45, 4 bases deleted (TGCT; older notation c.42_45delTGCT).
Protein change: p.Ala15fs; shifts the reading frame from alanine 15.
Molecular consequence: frameshift variant.
Genome position (GRCh38, 1-based): chr11:61,437,630-61,437,633, TGCT deleted; deleting any 4 consecutive bases within chr11:61,437,626-61,437,633 gives the same sequence; the c. name uses the placement nearest the transcript's 3' end. VCF-style (leftmost placement, unchanged base first): chr11-61437625-ATGCT-A. GRCh37 (hg19) VCF-style: chr11-61205097-ATGCT-A.
Other names: c.42_45delTGCT (NM_017841.2); short protein forms A15fs.
Identifiers: ClinVar variation 982784 (VCV000982784.2), dbSNP rs1862009020, ClinGen allele CA1977293722.

ClinVar aggregate classification (germline): Likely pathogenic. Review status: criteria provided, multiple submitters, no conflicts (2 of 4 stars). 2 submissions from 2 submitters: Likely pathogenic (2). Last evaluated 2024-05-09.

Conditions:
Pheochromocytoma/paraganglioma syndrome 2. Also called: SDHAF2-Related Hereditary Paraganglioma-Pheochromocytoma Syndrome; Paragangliomas 2; SDHAF2-Related Hereditary Paraganglioma-Pheochromocytoma Syndrome (Paragangliomas 2); GLOMUS TUMORS, FAMILIAL, 2. Identifiers: Orphanet 29072, MedGen C1866552, MONDO:0011121, OMIM 601650.
Hereditary cancer-predisposing syndrome. Also called: Tumor predisposition; Hereditary Cancer Syndrome; Neoplastic Syndromes, Hereditary; Hereditary neoplastic syndrome. Identifiers: Orphanet 140162, MedGen C0027672, MeSH D009386, MONDO:0015356.

Submissions (2):

Ambry Genetics
Classification: Likely pathogenic for Hereditary cancer-predisposing syndrome. Last evaluated: 2024-05-09. Review status: criteria provided, single submitter. Criteria: Ambry Variant Classification Scheme 2023. Collection method: clinical testing. Allele origin: germline.
Comment: The c.42_45delTGCT variant, located in coding exon 2 of the SDHAF2 gene, results from a deletion of 4 nucleotides at nucleotide positions 42 to 45, causing a translational frameshift with a predicted alternate stop codon (p.A15Cfs*13). The predicted stop codon occurs in the 5&rsquo; end of theSDHAF2 gene. Premature termination codons in the 5&rsquo; end of a gene have been reported to escape nonsense-mediated mRNAdecay and/or lead to re-initiation (Rivas et al. Science. 2015 May 8;348(6235):666-9; Lindeboom et al. Nat Genet. 2016 Oct;48(10):1112-8; Rhee et al. Sci Rep. 2017 May 10;7(1):1653). Direct evidence for this alteration is unavailable, however premature termination codons are typically deleterious in nature. This variant is considered to be rare based on population cohorts in the Genome Aggregation Database (gnomAD). Based on the majority of available evidence to date, this variant is likely to be pathogenic.

Institute of Human Genetics, University of Leipzig Medical Center
Classification: Likely pathogenic for Pheochromocytoma/paraganglioma syndrome 2. Last evaluated: 2019-01-01. Review status: criteria provided, single submitter. Criteria: ACMG Guidelines, 2015. Collection method: clinical testing. Allele origin: unknown. Affected: yes.